The following is an entry in ClinVar:

ClinVar aggregate classification (germline): Uncertain significance. Review status: criteria provided, multiple submitters, no conflicts (2 of 4 stars). 2 submissions from 2 submitters: Uncertain significance (2). Last evaluated 2024-06-13.

Conditions:
Cohen syndrome (COH1). Also called: Cutis verticis gyrata, retinitis pigmentosa, and sensorineural deafness; PEPPER SYNDROME. Identifiers: Orphanet 193, MedGen C0265223, MONDO:0008999, OMIM 216550.

Allele frequency attached by ClinVar (database versions not stated): gnomAD exomes below 0.00001; TOPMed below 0.00001; ExAC 0.00001; gnomAD 0.00001; 1000 Genomes Project 30x 0.00016; 1000 Genomes Project 0.00020.
gnomAD v4.1: 4 of 1,614,158 alleles (0.00025%); highest among the groups gnomAD compares: Admixed American, 0.0067%; no homozygotes.

Submissions (2):

Labcorp Genetics (formerly Invitae), Labcorp
Classification: Uncertain significance for Cohen syndrome. Last evaluated: 2024-06-13. Review status: criteria provided, single submitter. Criteria: Invitae Variant Classification Sherloc (09022015). Collection method: clinical testing. Allele origin: germline.
Comment: This sequence change replaces glutamine, which is neutral and polar, with leucine, which is neutral and non-polar, at codon 1950 of the VPS13B protein (p.Gln1950Leu). This variant is present in population databases (rs541081770, gnomAD 0.003%). This variant has not been reported in the literature in individuals affected with VPS13B-related conditions. ClinVar contains an entry for this variant (Variation ID: 1058995). Advanced modeling of protein sequence and biophysical properties (such as structural, functional, and spatial information, amino acid conservation, physicochemical variation, residue mobility, and thermodynamic stability) performed at Invitae indicates that this missense variant is not expected to disrupt VPS13B protein function with a negative predictive value of 80%. In summary, the available evidence is currently insufficient to determine the role of this variant in disease. Therefore, it has been classified as a Variant of Uncertain Significance.

Blueprint Genetics
Classification: Uncertain significance. Last evaluated: 2022-04-01. Review status: criteria provided, single submitter. Criteria: ACMG Guidelines, 2015. Collection method: clinical testing. Allele origin: germline.

NM_152564.5(VPS13B):c.5774A>T (p.Gln1925Leu)

Gene: VPS13B (vacuolar protein sorting 13 homolog B; plus strand). Cytogenetic location: 8q22.2.
Variant type: single nucleotide variant.
Coding change: c.5774A>T on transcript NM_152564.5 (MANE Select); coding-DNA position 5774, A replaced by T.
Protein change: p.Gln1925Leu; replaces glutamine 1925 with leucine.
Molecular consequence: missense variant.
Genome position (GRCh38, 1-based): chr8:99,642,364, A>T. VCF-style: chr8-99642364-A-T. GRCh37 (hg19) VCF-style: chr8-100654592-A-T.
Other names: c.5849A>T, p.Gln1950Leu (NM_017890.5); short protein forms Q1925L, Q1950L.
Identifiers: ClinVar variation 1058995 (VCV001058995.8), dbSNP rs541081770, ClinGen allele CA4823869.
Genomic context (GRCh38, chr8:99,642,364, plus strand): 5'-GACAAGCACTTGGTATAACTATTGTTCGGCAGCCTGGTCGAAGAGGAACTGGTGACTTAC[A>T]GCTAGAGCCTTTTCTGTACTTTATTGTGTCCCAGCCTTCCTTGCTTCTGAGTTGTCACCA-3'
Protein context (NP_689777.3, residues 1915-1935): QPGRRGTGDL[Gln1925Leu]LEPFLYFIVS